The following is an entry in ClinVar:

ClinVar aggregate classification (germline): Uncertain significance (1 of 4 stars; one submission).

Submission:

Labcorp Genetics (formerly Invitae), Labcorp
Classification: Uncertain significance. Last evaluated: 2026-02-03. Review status: criteria provided, single submitter. Criteria: Invitae Variant Classification Sherloc (09022015). Collection method: clinical testing. Allele origin: germline.
Comment: This sequence change replaces asparagine, which is neutral and polar, with aspartic acid, which is acidic and polar, at codon 671 of the CLCN4 protein (p.Asn671Asp). This variant is not present in population databases (gnomAD no frequency). This variant has not been reported in the literature in individuals affected with CLCN4-related conditions. Invitae Evidence Modeling of protein sequence and biophysical properties (such as structural, functional, and spatial information, amino acid conservation, physicochemical variation, residue mobility, and thermodynamic stability) indicates that this missense variant is not expected to disrupt CLCN4 protein function with a negative predictive value of 95%. In summary, the available evidence is currently insufficient to determine the role of this variant in disease. Therefore, it has been classified as a Variant of Uncertain Significance.

NM_001830.4(CLCN4):c.2011A>G (p.Asn671Asp)

Gene: CLCN4 (chloride voltage-gated channel 4; plus strand). Cytogenetic location: Xp22.2.
Variant type: single nucleotide variant.
Coding change: c.2011A>G on transcript NM_001830.4 (MANE Select); coding-DNA position 2011, A replaced by G.
Protein change: p.Asn671Asp; replaces asparagine 671 with aspartic acid.
Molecular consequence: missense variant.
Genome position (GRCh38, 1-based): chrX:10,220,696, A>G. VCF-style: chrX-10220696-A-G. GRCh37 (hg19) VCF-style: chrX-10188736-A-G.
Other names: c.1729A>G, p.Asn577Asp (NM_001256944.2); short protein forms N577D, N671D.
Identifiers: ClinVar variation 4743507 (VCV004743507.1).